The following is an entry in ClinVar:

ClinVar aggregate classification (germline): Likely benign (1 of 4 stars; one submission).

Allele frequency attached by ClinVar (database versions not stated): 1000 Genomes Project 30x 0.00016; 1000 Genomes Project 0.00020; gnomAD 0.00044; ExAC 0.00045; ESP Exome Variant Server 0.00046; TOPMed 0.00047.

Submissions (2):

CeGaT Center for Human Genetics Tuebingen
Classification: Likely benign. Last evaluated: 2025-01-01. Review status: criteria provided, single submitter. Criteria: CeGaT Center For Human Genetics Tuebingen Variant Classification Criteria Version 2. Collection method: clinical testing. Allele origin: germline. Affected: yes. Observed: 2 variant alleles.
Comment: POLR2A: BP4, BS1

Dr. Peter K. Rogan Lab, Western University
No classification provided (evidence only). Condition: Lung cancer. Review status: no classification provided. Collection method: in vitro. Allele origin: not applicable. Functional consequence: retained intron. Not counted in ClinVar's aggregate classification.

NM_000937.5(POLR2A):c.3918+5G>C

Genes: POLR2A (RNA polymerase II subunit A; plus strand), LOC126862482 (CDK7 strongly-dependent group 2 enhancer GRCh37_chr17:7414586-7415785; plus strand). Cytogenetic location: 17p13.1.
Variant type: single nucleotide variant.
Coding change: c.3918+5G>C on transcript NM_000937.5 (MANE Select); 5 bases into the intron after coding-DNA position 3918, G replaced by C.
Molecular consequence: intron variant.
Genome position (GRCh38, 1-based): chr17:7,511,324, G>C. VCF-style: chr17-7511324-G-C. GRCh37 (hg19) VCF-style: chr17-7414643-G-C.
Other names: NC_000017.10:g.7414643G>C.
Identifiers: ClinVar variation 2570972 (VCV002570972.28), dbSNP rs201103756, ClinGen allele CA8350133.
Genomic context (GRCh38, chr17:7,511,324, plus strand): 5'-TCGAGTCCAACATGCTGACAGATATGACCCTGCAGGGCATCGAGCAGATCAGCAAGGTCA[G>C]CCATCCCCTCTGCCACCGCCTTCCTCCTCCCACTCCCACACTCCCCTCCCTGCCTACTCT-3'